The following is an entry in ClinVar:

ClinVar aggregate classification (germline): Uncertain significance (1 of 4 stars; one submission).

Submission:

Labcorp Genetics (formerly Invitae), Labcorp
Classification: Uncertain significance. Last evaluated: 2022-08-23. Review status: criteria provided, single submitter. Criteria: Invitae Variant Classification Sherloc (09022015). Collection method: clinical testing. Allele origin: germline.
Comment: This variant is not present in population databases (gnomAD no frequency). In summary, the available evidence is currently insufficient to determine the role of this variant in disease. Therefore, it has been classified as a Variant of Uncertain Significance. Algorithms developed to predict the effect of missense changes on protein structure and function output the following: SIFT: "Tolerated"; PolyPhen-2: "Benign"; Align-GVGD: "Class C0". The alanine amino acid residue is found in multiple mammalian species, which suggests that this missense change does not adversely affect protein function. This variant has not been reported in the literature in individuals affected with RTTN-related conditions. This sequence change replaces threonine, which is neutral and polar, with alanine, which is neutral and non-polar, at codon 1652 of the RTTN protein (p.Thr1652Ala).

NM_173630.4(RTTN):c.4954A>G (p.Thr1652Ala)

Gene: RTTN (rotatin; minus strand). Cytogenetic location: 18q22.2.
Variant type: single nucleotide variant.
Coding change: c.4954A>G on transcript NM_173630.4 (MANE Select); coding-DNA position 4954, A replaced by G.
Protein change: p.Thr1652Ala; replaces threonine 1652 with alanine.
Molecular consequence: missense variant.
Genome position (GRCh38, 1-based): chr18:70,057,819, T>C on the plus strand (A>G on the coding strand, the complement: RTTN is on the minus strand). VCF-style: chr18-70057819-T-C. GRCh37 (hg19) VCF-style: chr18-67725055-T-C.
Other names: c.2218A>G, p.Thr740Ala (NM_001318520.2); short protein forms T1652A, T740A.
Identifiers: ClinVar variation 1910467 (VCV001910467.5), dbSNP rs2512026791, ClinGen allele CA402693918.